The following is an entry in ClinVar:

GRCh37/hg19 Xp22.31(chrX:7234606-8135644)x1

Genes: PNPLA4 (patatin like phospholipase domain containing 4; minus strand), STS (steroid sulfatase; plus strand), VCX (variable charge X-linked; plus strand). Cytogenetic location: Xp22.31.
Variant type: copy number loss.
Change: copy number 1 of chrX:7,234,606-8,135,644 (901.0 kb, GRCh37 coordinates, 1-based), cytogenetic band Xp22.31.
Identifiers: ClinVar variation 3391947 (VCV003391947.1).

ClinVar aggregate classification (germline): Pathogenic (1 of 4 stars; one submission).

Submission:

Quest Diagnostics Nichols Institute San Juan Capistrano
Classification: Pathogenic. Last evaluated: 2023-08-18. Review status: criteria provided, single submitter. Criteria: ACMG/ClinGen CNV Guidelines, 2019. Collection method: clinical testing. Allele origin: unknown.
Comment: This loss involves three protein-coding genes, including multiple exons (NM_000351.7) of the 3' portion of STS (OMIM 300747). Haploinsufficiency of STS is associated with X-linked ichthyosis (OMIM 308100; CCID:007950; Crane 2023, Gubb 2020, Kent 2008, Myers 2020). Therefore, this copy number variant (CNV) is classified as pathogenic. References: Crane et al., StatPearls [Internet]. 28 Jun 2023., PMID: 28846233; Gubb et al., Hum Mol Genet. 2020 Oct 10;29(17):2872-2881. PMID: 32766777; Kent et al., J Med Genet. 2008 Aug;45(8):519-24. PMID: 18413370; Myers et al., Pediatr Neurol. 2020 Jul;108:113-116. PMID: 32299744